The following is an entry in ClinVar:

ClinVar aggregate classification (germline): Uncertain significance (1 of 4 stars; one submission).

Submission:

GeneDx
Classification: Uncertain significance. Last evaluated: 2024-07-10. Review status: criteria provided, single submitter. Criteria: GeneDx Variant Classification Process June 2021. Collection method: clinical testing. Allele origin: germline. Affected: yes.
Comment: Not observed at significant frequency in large population cohorts (gnomAD); In silico analysis supports that this missense variant has a deleterious effect on protein structure/function; Has not been previously published as pathogenic or benign to our knowledge

NM_000257.4(MYH7):c.3098A>T (p.Asp1033Val)

Gene: MYH7 (myosin heavy chain 7; minus strand). Cytogenetic location: 14q11.2.
Variant type: single nucleotide variant.
Coding change: c.3098A>T on transcript NM_000257.4 (MANE Select); coding-DNA position 3098, A replaced by T.
Protein change: p.Asp1033Val; replaces aspartic acid 1033 with valine.
Molecular consequence: missense variant.
Genome position (GRCh38, 1-based): chr14:23,423,548, T>A on the plus strand (A>T on the coding strand, the complement: MYH7 is on the minus strand). VCF-style: chr14-23423548-T-A. GRCh37 (hg19) VCF-style: chr14-23892757-T-A.
Other names: c.3098A>T, p.Asp1033Val (NM_001407004.1); short protein forms D1033V.
Identifiers: ClinVar variation 3572472 (VCV003572472.1).